The following is an entry in ClinVar:

NM_006182.4(DDR2):c.1142C>G (p.Pro381Arg)

Gene: DDR2 (discoidin domain receptor tyrosine kinase 2; plus strand). Cytogenetic location: 1q23.3.
Variant type: single nucleotide variant.
Coding change: c.1142C>G on transcript NM_006182.4 (MANE Select); coding-DNA position 1142, C replaced by G.
Protein change: p.Pro381Arg; replaces proline 381 with arginine.
Molecular consequence: missense variant.
Genome position (GRCh38, 1-based): chr1:162,766,043, C>G. VCF-style: chr1-162766043-C-G. GRCh37 (hg19) VCF-style: chr1-162735833-C-G.
Other names: c.1142C>G, p.Pro381Arg (NM_001014796.3, NM_001354982.2, NM_001354983.2 and 1 more transcripts); short protein forms P381R.
Identifiers: ClinVar variation 293378 (VCV000293378.10), dbSNP rs753466072, ClinGen allele CA1217432.

ClinVar aggregate classification (germline): Uncertain significance. Review status: criteria provided, multiple submitters, no conflicts (2 of 4 stars). 3 submissions from 3 submitters: Uncertain significance (3). Last evaluated 2025-07-31.

Conditions:
Inborn genetic diseases. Identifiers: MedGen C0950123, MeSH D030342.
Spondyloepimetaphyseal dysplasia-short limb-abnormal calcification syndrome (SMED-SL). Also called: SMED, TYPE II; SMED-SL/AC; SMED short limb-hand type; SMED type 2; Spondylometaepiphyseal dysplasia short limb-abnormal calcification type; Smed short limb-abnormal calcification type. Identifiers: Orphanet 93358, MedGen C1849011, MONDO:0010077, OMIM 271665.

Allele frequency attached by ClinVar (database versions not stated): gnomAD 0.00001 and 0.00002; ExAC 0.00002; gnomAD exomes 0.00002; TOPMed 0.00003.
gnomAD v4.1: 46 of 1,613,826 alleles (0.0029%); highest among the groups gnomAD compares: Non-Finnish European, 0.0037%; no homozygotes.

Submissions (3):

Ambry Genetics
Classification: Uncertain significance for Inborn genetic diseases. Last evaluated: 2025-07-31. Review status: criteria provided, single submitter. Criteria: Ambry Variant Classification Scheme 2023. Collection method: clinical testing. Allele origin: germline.

Labcorp Genetics (formerly Invitae), Labcorp
Classification: Uncertain significance. Last evaluated: 2022-06-13. Review status: criteria provided, single submitter. Criteria: Invitae Variant Classification Sherloc (09022015). Collection method: clinical testing. Allele origin: germline.
Comment: This sequence change replaces proline, which is neutral and non-polar, with arginine, which is basic and polar, at codon 381 of the DDR2 protein (p.Pro381Arg). This variant is present in population databases (rs753466072, gnomAD 0.004%). This variant has not been reported in the literature in individuals affected with DDR2-related conditions. ClinVar contains an entry for this variant (Variation ID: 293378). Algorithms developed to predict the effect of missense changes on protein structure and function (SIFT, PolyPhen-2, Align-GVGD) all suggest that this variant is likely to be tolerated. Algorithms developed to predict the effect of sequence changes on RNA splicing suggest that this variant may create or strengthen a splice site. In summary, the available evidence is currently insufficient to determine the role of this variant in disease. Therefore, it has been classified as a Variant of Uncertain Significance.

Illumina Laboratory Services, Illumina
Classification: Uncertain significance for Spondyloepimetaphyseal dysplasia-short limb-abnormal calcification syndrome. Last evaluated: 2018-01-13. Review status: criteria provided, single submitter. Criteria: ICSL Variant Classification Criteria 13 December 2019. Collection method: clinical testing. Allele origin: germline.